The following is an entry in ClinVar:

NM_006231.4(POLE):c.5036G>T (p.Arg1679Leu)

Gene: POLE (DNA polymerase epsilon, catalytic subunit; minus strand). Cytogenetic location: 12q24.33.
Variant type: single nucleotide variant.
Coding change: c.5036G>T on transcript NM_006231.4 (MANE Select); coding-DNA position 5036, G replaced by T.
Protein change: p.Arg1679Leu; replaces arginine 1679 with leucine.
Molecular consequence: missense variant.
Genome position (GRCh38, 1-based): chr12:132,642,314, C>A on the plus strand (G>T on the coding strand, the complement: POLE is on the minus strand). VCF-style: chr12-132642314-C-A. GRCh37 (hg19) VCF-style: chr12-133218900-C-A.
Other names: short protein forms R1679L.
Identifiers: ClinVar variation 246460 (VCV000246460.2), dbSNP rs748940418, ClinGen allele CA10584408.

ClinVar aggregate classification (germline): Uncertain significance (1 of 4 stars; one submission).

Submission:

GeneDx
Classification: Uncertain significance. Last evaluated: 2016-02-29. Review status: criteria provided, single submitter. Criteria: GeneDx Variant Classification (06012015). Collection method: clinical testing. Allele origin: germline. Affected: yes.
Comment: This variant is denoted POLE c.5036G>T at the cDNA level, p.Arg1679Leu (R1679L) at the protein level, and results in the change of an Arginine to a Leucine (CGC>CTC). This variant has not, to our knowledge, been published in the literature as pathogenic or benign. POLE Arg1679Leu was not observed in approximately 6,500 individuals of European and African American ancestry in the NHLBI Exome Sequencing Project, suggesting it is not a common benign variant in these populations. Since Arginine and Leucine differ in polarity, charge, size or other properties, this is considered a non-conservative amino acid substitution. POLE Arg1679Leu occurs at a position where amino acids with properties similar to Arginine are tolerated across species and is not located in a known functional domain (Preston 2010). In silico analyses are inconsistent regarding the effect this variant may have on protein structure and function. Based on currently available evidence, it is unclear whether POLE Arg1679Leu is a pathogenic or benign variant. We consider it to be a variant of uncertain significance.